The following is an entry in ClinVar:

NM_000719.7(CACNA1C):c.1520G>A (p.Arg507His)

Gene: CACNA1C (calcium voltage-gated channel subunit alpha1 C; plus strand). Cytogenetic location: 12p13.33.
Variant type: single nucleotide variant.
Coding change: c.1520G>A on transcript NM_000719.7 (MANE Select); coding-DNA position 1520, G replaced by A.
Protein change: p.Arg507His; replaces arginine 507 with histidine.
Molecular consequence: missense variant.
Genome position (GRCh38, 1-based): chr12:2,566,433, G>A. VCF-style: chr12-2566433-G-A. GRCh37 (hg19) VCF-style: chr12-2675599-G-A.
Other names: c.1520G>A, p.Arg507His (NM_001129839.2, NM_001129840.2, NM_001129841.2 and 18 more transcripts); c.1511G>A, p.Arg504His (NM_001129844.2); short protein forms R507H, R504H.
Identifiers: ClinVar variation 308133 (VCV000308133.16), dbSNP rs768830617, ClinGen allele CA6388808.

ClinVar aggregate classification (germline): Conflicting classifications of pathogenicity. Review status: criteria provided, conflicting classifications (1 of 4 stars). 5 submissions from 5 submitters: Uncertain significance (4); Likely benign (1). Last evaluated 2026-01-11.

Conditions:
Cardiovascular phenotype. Identifiers: MedGen CN230736.
Brugada syndrome 3 (BRGDA3). Identifiers: Orphanet 130, MedGen C2678478, MONDO:0012742, OMIM 611875.
Timothy syndrome (TS). Also called: LONG QT SYNDROME WITH SYNDACTYLY. Identifiers: Orphanet 65283, MedGen C1832916, MeSH C536962, MONDO:0010979, OMIM 601005.
Long QT syndrome 8. Identifiers: MedGen CN260585, MONDO:0032756, OMIM 618447.
Neurodevelopmental disorder with hypotonia, language delay, and skeletal defects with or without seizures (NEDHLSS). Identifiers: MedGen C5774213, MONDO:0859286, OMIM 620029.
Long QT syndrome (LQTS). Identifiers: MedGen C0023976, MeSH D008133, MONDO:0002442. Disease mechanism: loss of function. Inheritance: Various modes of inheritance.

Allele frequency attached by ClinVar (database versions not stated): TOPMed 0.00002; gnomAD 0.00003; gnomAD exomes 0.00003 and 0.00004; ExAC 0.00009.
gnomAD v4.1: 60 of 1,593,666 alleles (0.0038%); highest among the groups gnomAD compares: East Asian, 0.0068%; no homozygotes.

Submissions (5):

Labcorp Genetics (formerly Invitae), Labcorp
Classification: Uncertain significance for Long QT syndrome. Last evaluated: 2026-01-11. Review status: criteria provided, single submitter. Criteria: Invitae Variant Classification Sherloc (09022015). Collection method: clinical testing. Allele origin: germline.
Comment: This sequence change replaces arginine, which is basic and polar, with histidine, which is basic and polar, at codon 507 of the CACNA1C protein (p.Arg507His). This variant is present in population databases (rs768830617, gnomAD 0.02%). This variant has not been reported in the literature in individuals affected with CACNA1C-related conditions. ClinVar contains an entry for this variant (Variation ID: 308133). Invitae Evidence Modeling of protein sequence and biophysical properties (such as structural, functional, and spatial information, amino acid conservation, physicochemical variation, residue mobility, and thermodynamic stability) has been performed for this missense variant. However, the output from this modeling did not meet the statistical confidence thresholds required to predict the impact of this variant on CACNA1C protein function. In summary, the available evidence is currently insufficient to determine the role of this variant in disease. Therefore, it has been classified as a Variant of Uncertain Significance.

GeneDx
Classification: Uncertain significance. Last evaluated: 2024-07-05. Review status: criteria provided, single submitter. Criteria: GeneDx Variant Classification Process June 2021. Collection method: clinical testing. Allele origin: germline. Affected: yes.
Comment: In silico analysis supports that this missense variant has a deleterious effect on protein structure/function; Has not been previously published as pathogenic or benign to our knowledge

Ambry Genetics
Classification: Likely benign for Cardiovascular phenotype. Last evaluated: 2024-04-19. Review status: criteria provided, single submitter. Criteria: Ambry Variant Classification Scheme 2023. Collection method: clinical testing. Allele origin: germline.

Fulgent Genetics
Classification: Uncertain significance for Timothy syndrome; Brugada syndrome 3; Long QT syndrome 8; Neurodevelopmental disorder with hypotonia, language delay, and skeletal defects with or without seizures. Last evaluated: 2024-03-12. Review status: criteria provided, single submitter. Criteria: ACMG Guidelines, 2015. Collection method: clinical testing. Allele origin: germline.

Genetics and Molecular Pathology, SA Pathology
Classification: Uncertain significance for Brugada syndrome 3. Last evaluated: 2020-12-02. Review status: criteria provided, single submitter. Criteria: ACMG Guidelines, 2015. Collection method: clinical testing. Allele origin: germline. Affected: yes.